The following is an entry in ClinVar:

ClinVar aggregate classification (germline): Likely benign (1 of 4 stars; one submission).

Allele frequency attached by ClinVar (database versions not stated): ESP Exome Variant Server 0.00077; 1000 Genomes Project 30x 0.00078; 1000 Genomes Project 0.00100; gnomAD exomes 0.00180; gnomAD 0.00212; ExAC 0.00256.
gnomAD v4.1: 2,923 of 1,597,540 alleles (0.18%); highest among the groups gnomAD compares: Non-Finnish European, 0.13%; 20 homozygotes.

Submission:

CeGaT Center for Human Genetics Tuebingen
Classification: Likely benign. Last evaluated: 2025-09-01. Review status: criteria provided, single submitter. Criteria: CeGaT Center For Human Genetics Tuebingen Variant Classification Criteria Version 2. Collection method: clinical testing. Allele origin: germline. Affected: yes. Observed: 4 variant alleles.
Comment: TAF4: BS2

NM_003185.4(TAF4):c.2143A>G (p.Ser715Gly)

Gene: TAF4 (TATA-box binding protein associated factor 4; minus strand). Cytogenetic location: 20q13.33.
Variant type: single nucleotide variant.
Coding change: c.2143A>G on transcript NM_003185.4 (MANE Select); coding-DNA position 2143, A replaced by G.
Protein change: p.Ser715Gly; replaces serine 715 with glycine.
Molecular consequence: missense variant.
Genome position (GRCh38, 1-based): chr20:62,006,590, T>C on the plus strand (A>G on the coding strand, the complement: TAF4 is on the minus strand). VCF-style: chr20-62006590-T-C. GRCh37 (hg19) VCF-style: chr20-60581646-T-C.
Other names: short protein forms S715G.
Identifiers: ClinVar variation 2672884 (VCV002672884.23), dbSNP rs142826042, ClinGen allele CA9935659.